The following is an entry in ClinVar:

NM_024529.5(CDC73):c.1566G>A (p.Met522Ile)

Gene: CDC73 (cell division cycle 73; plus strand). Cytogenetic location: 1q31.2.
Variant type: single nucleotide variant.
Coding change: c.1566G>A on transcript NM_024529.5 (MANE Select); coding-DNA position 1566, G replaced by A.
Protein change: p.Met522Ile; replaces methionine 522 with isoleucine.
Molecular consequence: missense variant.
Genome position (GRCh38, 1-based): chr1:193,250,682, G>A. VCF-style: chr1-193250682-G-A. GRCh37 (hg19) VCF-style: chr1-193219812-G-A.
Other names: short protein forms M522I.
Identifiers: ClinVar variation 3227863 (VCV003227863.1), dbSNP rs2527526284, ClinGen allele CA344078692.
Genomic context (GRCh38, chr1:193,250,682, plus strand): 5'-TAAAAATTCTAAAATTCCTATAGTCATTATAACCTACCATAATATTTTTTTCAGGTACAT[G>A]GTAAAGCATAAATCGCACTTGAGATTCTGAATTATTTGGCTCCTCCATTTCTGGAAATTG-3'
Protein context (NP_078805.3, residues 512-531): LRFWETLDRY[Met522Ile]VKHKSHLRF

ClinVar aggregate classification (germline): Uncertain significance (1 of 4 stars; one submission).

Conditions:
Hereditary cancer-predisposing syndrome. Also called: Neoplastic Syndromes, Hereditary; Tumor predisposition; Hereditary neoplastic syndrome; Hereditary Cancer Syndrome. Identifiers: Orphanet 140162, MedGen C0027672, MeSH D009386, MONDO:0015356.

Submission:

Ambry Genetics
Classification: Uncertain significance for Hereditary cancer-predisposing syndrome. Last evaluated: 2023-12-29. Review status: criteria provided, single submitter. Criteria: Ambry Variant Classification Scheme 2023. Collection method: clinical testing. Allele origin: germline.
Comment: The p.M522I variant (also known as c.1566G>A), located in coding exon 17 of the CDC73 gene, results from a G to A substitution at nucleotide position 1566. The methionine at codon 522 is replaced by isoleucine, an amino acid with highly similar properties. This amino acid position is conserved. In addition, the in silico prediction for this alteration is inconclusive. Since supporting evidence is limited at this time, the clinical significance of this alteration remains unclear.